The following is an entry in ClinVar:

ClinVar aggregate classification (germline): Pathogenic (1 of 4 stars; one submission).

Conditions:
Congenital sideroblastic anemia-B-cell immunodeficiency-periodic fever-developmental delay syndrome. Also called: Sideroblastic anemia with B-cell immunodeficiency, periodic fevers, and developmental delay. Identifiers: Orphanet 369861, MedGen C4015172, MONDO:0014487, OMIM 616084.

Submission:

Labcorp Genetics (formerly Invitae), Labcorp
Classification: Pathogenic for Congenital sideroblastic anemia-B-cell immunodeficiency-periodic fever-developmental delay syndrome. Last evaluated: 2025-11-17. Review status: criteria provided, single submitter. Criteria: Invitae Variant Classification Sherloc (09022015). Collection method: clinical testing. Allele origin: germline.
Comment: This sequence change creates a premature translational stop signal (p.Asp332Glufs*11) in the TRNT1 gene. While this is not anticipated to result in nonsense mediated decay, it is expected to disrupt the last 103 amino acid(s) of the TRNT1 protein. This variant is present in population databases (rs769331677, gnomAD 0.01%). This variant has not been reported in the literature in individuals affected with TRNT1-related conditions. ClinVar contains an entry for this variant (Variation ID: 1400916). This variant disrupts a region of the TRNT1 protein in which other variant(s) (p.Ser418Lysfs*9) have been determined to be pathogenic (PMID: 25193871, 26494905, 29358286). This suggests that this is a clinically significant region of the protein, and that variants that disrupt it are likely to be disease-causing. For these reasons, this variant has been classified as Pathogenic.

Literature cited by the submitters: PubMed 25193871; PubMed 26494905; PubMed 29358286.

NM_182916.3(TRNT1):c.996_999del (p.Asp332fs)

Gene: TRNT1 (tRNA nucleotidyl transferase 1; plus strand). Cytogenetic location: 3p26.2.
Variant type: Deletion.
Coding change: c.996_999del on transcript NM_182916.3 (MANE Select); coding-DNA positions 996 to 999, 4 bases deleted (TTTA; older notation c.996_999delTTTA).
Protein change: p.Asp332fs; shifts the reading frame from aspartic acid 332.
Molecular consequence: frameshift variant. On other transcripts: non-coding transcript variant (8).
Genome position (GRCh38, 1-based): chr3:3,147,643-3,147,646, TTTA deleted; deleting any 4 consecutive bases within chr3:3,147,642-3,147,646 gives the same sequence; the c. name uses the placement nearest the transcript's 3' end. VCF-style (leftmost placement, unchanged base first): chr3-3147641-GATTT-G. GRCh37 (hg19) VCF-style: chr3-3189325-GATTT-G.
Other names: c.936_939del, p.Asp312fs (NM_001302946.2); c.996_999del, p.Asp332fs (NM_001367321.1, NM_001367322.1, NM_001367323.1); short protein forms D312fs, D332fs.
Identifiers: ClinVar variation 1400916 (VCV001400916.6), dbSNP rs769331677, ClinGen allele CA2228840.
Genomic context (GRCh38, chr3:3,147,641, plus strand): 5'-AGGTTGAAGATCGCAAAAGAGGAGAAAAACCTTGGCTTATTTATAGTTAAAAATAGGAAA[GATTT>G]AATTAAAGCAACAGATAGTTCAGACCCATTGAAACCCTATCAAGACTTCATTATAGATGT-3'